The following is an entry in ClinVar:

ClinVar aggregate classification (germline): Uncertain significance (1 of 4 stars; one submission).

Conditions:
Bethlem myopathy 1A. Also called: MYOPATHY, BENIGN CONGENITAL, WITH CONTRACTURES; Bethlem myopathy 1; Bethlem Muscular Dystrophy. Identifiers: Orphanet 610, MedGen CN029274, MONDO:0024530, OMIM 158810.

gnomAD v4.1: 1 of 1,614,168 alleles (0.000062%); highest among the groups gnomAD compares: Non-Finnish European, 0.000085%; no homozygotes.

Submission:

Labcorp Genetics (formerly Invitae), Labcorp
Classification: Uncertain significance for Bethlem myopathy 1A. Last evaluated: 2024-09-21. Review status: criteria provided, single submitter. Criteria: Invitae Variant Classification Sherloc (09022015). Collection method: clinical testing. Allele origin: germline.
Comment: This sequence change replaces glycine, which is neutral and non-polar, with arginine, which is basic and polar, at codon 2282 of the COL6A3 protein (p.Gly2282Arg). This variant is not present in population databases (gnomAD no frequency). This variant has not been reported in the literature in individuals affected with COL6A3-related conditions. Invitae Evidence Modeling of protein sequence and biophysical properties (such as structural, functional, and spatial information, amino acid conservation, physicochemical variation, residue mobility, and thermodynamic stability) indicates that this missense variant is expected to disrupt COL6A3 protein function with a positive predictive value of 80%. This variant disrupts the triple helix domain of COL6A3. Glycine residues within the Gly-Xaa-Yaa repeats of the triple helix domain are required for the structure and stability of fibrillar collagens (PMID: 7695699, 8218237, 19344236). In COL6A3, missense variants at these glycine residues are significantly enriched in individuals with autosomal dominant disease (PMID: 15689448, 24038877) compared to the general population (ExAC). In summary, the available evidence is currently insufficient to determine the role of this variant in disease. Therefore, it has been classified as a Variant of Uncertain Significance.

Literature cited by the submitters: PubMed 7695699; PubMed 8218237; PubMed 19344236; PubMed 15689448; PubMed 24038877.

NM_004369.4(COL6A3):c.6844G>A (p.Gly2282Arg)

Gene: COL6A3 (collagen type VI alpha 3 chain; minus strand). Cytogenetic location: 2q37.3.
Variant type: single nucleotide variant.
Coding change: c.6844G>A on transcript NM_004369.4 (MANE Select); coding-DNA position 6844, G replaced by A.
Protein change: p.Gly2282Arg; replaces glycine 2282 with arginine.
Molecular consequence: missense variant.
Genome position (GRCh38, 1-based): chr2:237,350,182, C>T on the plus strand (G>A on the coding strand, the complement: COL6A3 is on the minus strand). VCF-style: chr2-237350182-C-T. GRCh37 (hg19) VCF-style: chr2-238258825-C-T.
Other names: c.5023G>A, p.Gly1675Arg (NM_057166.5); c.6226G>A, p.Gly2076Arg (NM_057167.4); short protein forms G2076R, G2282R, G1675R.
Identifiers: ClinVar variation 3712113 (VCV003712113.2).
Genomic context (GRCh38, chr2:237,350,182, plus strand): 5'-GACCCCAAGCGCGCTGTGACCTTACCGTCTCCCCACGAGGGCCCCGGTTCCCGATTCCTC[C>T]TTTTGGTCCTGGCTCTCCGGGCTCACCCTAGACATGAGAAACATGGCTGAGACCCTGTGG-3'
Protein context (NP_004360.2, residues 2272-2292): KGEPGEPGPK[Gly2282Arg]GIGNRGPRGE